The following is an entry in ClinVar:

ClinVar aggregate classification (germline): Uncertain significance (1 of 4 stars; one submission).

Allele frequency attached by ClinVar (database versions not stated): gnomAD 0.00002; TOPMed 0.00002; gnomAD exomes 0.00003 and 0.00006; ExAC 0.00008.
gnomAD v4.1: 20 of 1,613,656 alleles (0.0012%); highest among the groups gnomAD compares: Admixed American, 0.033%; no homozygotes.

Submission:

Labcorp Genetics (formerly Invitae), Labcorp
Classification: Uncertain significance. Last evaluated: 2025-03-17. Review status: criteria provided, single submitter. Criteria: Invitae Variant Classification Sherloc (09022015). Collection method: clinical testing. Allele origin: germline.
Comment: This sequence change replaces isoleucine, which is neutral and non-polar, with threonine, which is neutral and polar, at codon 16 of the TNFRSF11B protein (p.Ile16Thr). This variant is present in population databases (rs752915393, gnomAD 0.05%). This variant has not been reported in the literature in individuals affected with TNFRSF11B-related conditions. ClinVar contains an entry for this variant (Variation ID: 1440490). An algorithm developed to predict the effect of missense changes on protein structure and function (PolyPhen-2) suggests that this variant is likely to be tolerated. In summary, the available evidence is currently insufficient to determine the role of this variant in disease. Therefore, it has been classified as a Variant of Uncertain Significance.

NM_002546.4(TNFRSF11B):c.47T>C (p.Ile16Thr)

Gene: TNFRSF11B (TNF receptor superfamily member 11b; minus strand). Cytogenetic location: 8q24.12.
Variant type: single nucleotide variant.
Coding change: c.47T>C on transcript NM_002546.4 (MANE Select); coding-DNA position 47, T replaced by C.
Protein change: p.Ile16Thr; replaces isoleucine 16 with threonine.
Molecular consequence: missense variant.
Genome position (GRCh38, 1-based): chr8:118,933,284, A>G on the plus strand (T>C on the coding strand, the complement: TNFRSF11B is on the minus strand). VCF-style: chr8-118933284-A-G. GRCh37 (hg19) VCF-style: chr8-119945523-A-G.
Other names: short protein forms I16T.
Identifiers: ClinVar variation 1440490 (VCV001440490.8), dbSNP rs752915393, ClinGen allele CA4854992.